The following is an entry in ClinVar:

NM_000393.5(COL5A2):c.*1331C>G

Gene: COL5A2 (collagen type V alpha 2 chain; minus strand). Cytogenetic location: 2q32.2.
Variant type: single nucleotide variant.
Coding change: c.*1331C>G on transcript NM_000393.5 (MANE Select); 1331 bases downstream of the stop codon, C replaced by G.
Molecular consequence: 3 prime UTR variant.
Genome position (GRCh38, 1-based): chr2:189,032,739, G>C on the plus strand (C>G on the coding strand, the complement: COL5A2 is on the minus strand). VCF-style: chr2-189032739-G-C. GRCh37 (hg19) VCF-style: chr2-189897465-G-C.
Identifiers: ClinVar variation 898140 (VCV000898140.4), dbSNP rs146947961, ClinGen allele CA62579107.
Genomic context (GRCh38, chr2:189,032,739, plus strand): 5'-AGGGGACCTACATGTTCTGGTCTAAGAAGCATGCAAGTATTACAAAGCATTCCAGATACA[G>C]TATGACAGAGGAACAGTGAACAAGCATTGGAACGATGCTCTTTCTTTCAGAAACGGGAAG-3'

ClinVar aggregate classification (germline): Likely benign (1 of 4 stars; one submission).

Conditions:
Ehlers-Danlos syndrome, classic type, 2 (EDSCL2). Also called: Ehlers-Danlos syndrome, type 2; Ehlers-Danlos syndrome type 2 (formerly); Ehlers-Danlos Syndrome, Classic Type, COL5A2-Related. Identifiers: Orphanet 287, Orphanet 90318, MedGen C0268336, MONDO:0019568, OMIM 130010.

Allele frequency attached by ClinVar (database versions not stated): TOPMed 0.00120; 1000 Genomes Project 30x 0.00125; 1000 Genomes Project 0.00100.

Submission:

Illumina Laboratory Services, Illumina
Classification: Likely benign for Ehlers-Danlos syndrome, classic type, 2. Last evaluated: 2018-01-13. Review status: criteria provided, single submitter. Criteria: ICSL Variant Classification Criteria 13 December 2019. Collection method: clinical testing. Allele origin: germline.
Comment: This variant was observed in the ICSL laboratory as part of a predisposition screen in an ostensibly healthy population. It had not been previously curated by ICSL or reported in the Human Gene Mutation Database (HGMD: prior to June 1st, 2018), and was therefore a candidate for classification through an automated scoring system. Utilizing variant allele frequency, disease prevalence and penetrance estimates, and inheritance mode, an automated score was calculated to assess if this variant is too frequent to cause the disease. Based on the score and internal cut-off values, a variant classified as likely benign is not then subjected to further curation. The score for this variant resulted in a classification of likely benign for this disease.